The following is an entry in ClinVar:

ClinVar aggregate classification (germline): Uncertain significance (1 of 4 stars; one submission).

Submission:

GeneDx
Classification: Uncertain significance. Last evaluated: 2024-10-24. Review status: criteria provided, single submitter. Criteria: GeneDx Variant Classification Process June 2021. Collection method: clinical testing. Allele origin: germline. Affected: yes.
Comment: Not observed at significant frequency in large population cohorts (gnomAD); In silico analysis supports that this missense variant has a deleterious effect on protein structure/function; Has not been previously published as pathogenic or benign to our knowledge

NM_024496.4(IRF2BPL):c.2344A>C (p.Thr782Pro)

Gene: IRF2BPL (interferon regulatory factor 2 binding protein like; minus strand). Cytogenetic location: 14q24.3.
Variant type: single nucleotide variant.
Coding change: c.2344A>C on transcript NM_024496.4 (MANE Select); coding-DNA position 2344, A replaced by C.
Protein change: p.Thr782Pro; replaces threonine 782 with proline.
Molecular consequence: missense variant.
Genome position (GRCh38, 1-based): chr14:77,025,449, T>G on the plus strand (A>C on the coding strand, the complement: IRF2BPL is on the minus strand). VCF-style: chr14-77025449-T-G. GRCh37 (hg19) VCF-style: chr14-77491792-T-G.
Other names: short protein forms T782P.
Identifiers: ClinVar variation 3893412 (VCV003893412.1).
Genomic context (GRCh38, chr14:77,025,449, plus strand): 5'-GCTGCCCAGTGGTTCAAGGGTCTCTCTCCTTTTTCACTTTAACATCCCCAGCTAAGATAG[T>G]CGCGATTTCGCCCTGCATGAAGGCCCAAGGTACATTCGACCCGACTAGGGGGCATTTCTC-3'
Protein context (NP_078772.1, residues 772-792): PWAFMQGEIA[Thr782Pro]ILAGDVKVKK